The following is an entry in ClinVar:

ClinVar aggregate classification (germline): Likely benign (0 of 4 stars; one submission).

Conditions:
VEGFC-related disorder. Also called: VEGFC-related condition.

Allele frequency attached by ClinVar (database versions not stated): ExAC 0.00002; gnomAD 0.00003; TOPMed 0.00004; gnomAD exomes 0.00005; ESP Exome Variant Server 0.00017.
gnomAD v4.1: 88 of 1,614,026 alleles (0.0055%); highest among the groups gnomAD compares: East Asian, 0.0089%; no homozygotes.

Submission:

PreventionGenetics, part of Exact Sciences
Classification: Likely benign for VEGFC-related condition. Last evaluated: 2019-09-17. Review status: no assertion criteria provided. Collection method: clinical testing. Allele origin: germline.
Comment: This variant is classified as likely benign based on ACMG/AMP sequence variant interpretation guidelines (Richards et al. 2015 PMID: 25741868, with internal and published modifications).

NM_005429.5(VEGFC):c.1167G>A (p.Thr389=)

Genes: HAFML (HuR (ELAVL1) associated fibroblast migratory lncRNA; plus strand), VEGFC (vascular endothelial growth factor C; minus strand). Cytogenetic location: 4q34.3.
Variant type: single nucleotide variant.
Coding change: c.1167G>A on transcript NM_005429.5 (MANE Select); coding-DNA position 1167, G replaced by A.
Protein change: p.Thr389=; no amino-acid change (threonine 389 retained).
Molecular consequence: synonymous variant.
Genome position (GRCh38, 1-based): chr4:176,684,019, C>T on the plus strand (G>A on the coding strand, the complement: VEGFC is on the minus strand). VCF-style: chr4-176684019-C-T. GRCh37 (hg19) VCF-style: chr4-177605173-C-T.
Identifiers: ClinVar variation 3040254 (VCV003040254.2), dbSNP rs370007298, ClinGen allele CA3145743.